The following is an entry in ClinVar:

ClinVar aggregate classification (germline): Pathogenic (1 of 4 stars; one submission).

Conditions:
Glutamate formiminotransferase deficiency. Also called: Arakawa syndrome 1; Formiminoglutamic aciduria. Identifiers: Orphanet 51208, MedGen C0268609, MONDO:0009240, OMIM 229100.

Submission:

Labcorp Genetics (formerly Invitae), Labcorp
Classification: Pathogenic for Glutamate formiminotransferase deficiency. Last evaluated: 2025-10-06. Review status: criteria provided, single submitter. Criteria: Invitae Variant Classification Sherloc (09022015). Collection method: clinical testing. Allele origin: germline.
Comment: This sequence change creates a premature translational stop signal (p.Glu205Glyfs*24) in the FTCD gene. It is expected to result in an absent or disrupted protein product. Loss-of-function variants in FTCD are known to be pathogenic (PMID: 29178637, 30740726). This variant is present in population databases (no rsID available, gnomAD 0.01%). This variant has not been reported in the literature in individuals affected with FTCD-related conditions. ClinVar contains an entry for this variant (Variation ID: 3619494). Algorithms developed to predict the effect of sequence changes on RNA splicing suggest that this variant may disrupt the consensus splice site. For these reasons, this variant has been classified as Pathogenic.

Literature cited by the submitters: PubMed 29178637; PubMed 30740726.

NM_206965.2(FTCD):c.613dup (p.Glu205fs)

Gene: FTCD (formimidoyltransferase cyclodeaminase; minus strand). Cytogenetic location: 21q22.3.
Variant type: Duplication.
Coding change: c.613dup on transcript NM_206965.2 (MANE Select); coding-DNA position 613, one base duplicated (G; older notation c.613dupG).
Protein change: p.Glu205fs; shifts the reading frame from glutamic acid 205.
Molecular consequence: frameshift variant.
Genome position (GRCh38, 1-based): chr21:46,151,581, C duplicated on the plus strand (G on the coding strand, the reverse complement: FTCD is on the minus strand); the first of 3 consecutive C bases (chr21:46,151,581-46,151,583); duplicating any one gives the same sequence. VCF-style (leftmost placement, unchanged base first): chr21-46151580-T-TC. GRCh37 (hg19) VCF-style: chr21-47571494-T-TC.
Other names: c.613dup, p.Glu205fs (NM_001320412.2, NM_006657.3); short protein forms E205fs.
Identifiers: ClinVar variation 3619494 (VCV003619494.2).